The following is an entry in ClinVar:

ClinVar aggregate classification (germline): Likely pathogenic (1 of 4 stars; one submission).

Conditions:
Aicardi-Goutieres syndrome 6 (AGS6). Identifiers: Orphanet 51, MedGen C3539013, MONDO:0014007, OMIM 615010.
Symmetrical dyschromatosis of extremities (DSH). Also called: DYSCHROMATOSIS SYMMETRICA HEREDITARIA 1; RETICULATE ACROPIGMENTATION OF DOHI; SYMMETRIC DYSCHROMATOSIS OF THE EXTREMITIES; Dyschromatosis symmetrica hereditaria. Identifiers: Orphanet 41, MedGen C0406775, MONDO:0007483, OMIM 127400.

gnomAD v4.1: 5 of 1,613,810 alleles (0.00031%); highest among the groups gnomAD compares: Non-Finnish European, 0.00034%; no homozygotes.

Submission:

Labcorp Genetics (formerly Invitae), Labcorp
Classification: Likely pathogenic for Aicardi-Goutieres syndrome 6; Symmetrical dyschromatosis of extremities. Last evaluated: 2025-03-18. Review status: criteria provided, single submitter. Criteria: Invitae Variant Classification Sherloc (09022015). Collection method: clinical testing. Allele origin: germline.
Comment: This sequence change affects an acceptor splice site in intron 1 of the ADAR gene. It is expected to disrupt RNA splicing. Variants that disrupt the donor or acceptor splice site typically lead to a loss of protein function (PMID: 16199547), and loss-of-function variants in ADAR are known to be pathogenic (PMID: 22974014). This variant is present in population databases (rs111354630, gnomAD 0.003%). This variant has not been reported in the literature in individuals affected with ADAR-related conditions. Algorithms developed to predict the effect of sequence changes on RNA splicing suggest that this variant may disrupt the consensus splice site. In summary, the currently available evidence indicates that the variant is pathogenic, but additional data are needed to prove that conclusively. Therefore, this variant has been classified as Likely Pathogenic.

Literature cited by the submitters: PubMed 16199547; PubMed 22974014.

NM_001111.5(ADAR):c.16-2A>G

Gene: ADAR (adenosine deaminase RNA specific; minus strand). Cytogenetic location: 1q21.3.
Variant type: single nucleotide variant.
Coding change: c.16-2A>G on transcript NM_001111.5 (MANE Select); the canonical splice acceptor site of the intron before coding-DNA position 16, A replaced by G.
Molecular consequence: splice acceptor variant.
Genome position (GRCh38, 1-based): chr1:154,602,628, T>C on the plus strand (A>G on the coding strand, the complement: ADAR is on the minus strand). VCF-style: chr1-154602628-T-C. GRCh37 (hg19) VCF-style: chr1-154575104-T-C.
Other names: c.-734-2A>G (NM_001365046.1, NM_001365049.1, NM_001365047.1); c.43-2A>G (NM_001365045.1); c.-870-2A>G (NM_001025107.3, NM_001365048.1, NM_001193495.2); c.16-2A>G (NM_015841.4, NM_015840.4).
Identifiers: ClinVar variation 4784378 (VCV004784378.1).
Genomic context (GRCh38, chr1:154,602,628, plus strand): 5'-AGCTGTCTGTGCTCATAGCCTTGAAATGGATGGGTGTAGTATCCGCTGAGGGAATACCCC[T>C]GCAGAATAAGACAGTGGAAAAAGAAAATGAATTAGGGCTGCAGTGGTGAACCTGTGGAGG-3'